The following is an entry in ClinVar:

ClinVar aggregate classification (germline): Pathogenic (1 of 4 stars; one submission).

Conditions:
Hereditary spastic paraplegia 4. Also called: Spastic paraplegia 4, autosomal dominant; Spastic Paraplegia 4; Familial spastic paraplegia autosomal dominant 2. Identifiers: Orphanet 100985, MedGen C1866855, MONDO:0008438, OMIM 182601.

Submission:

Labcorp Genetics (formerly Invitae), Labcorp
Classification: Pathogenic for Hereditary spastic paraplegia 4. Last evaluated: 2022-03-03. Review status: criteria provided, single submitter. Criteria: Invitae Variant Classification Sherloc (09022015). Collection method: clinical testing. Allele origin: germline.
Comment: For these reasons, this variant has been classified as Pathogenic. ClinVar contains an entry for this variant (Variation ID: 947455). This variant has not been reported in the literature in individuals affected with SPAST-related conditions. This variant is not present in population databases (gnomAD no frequency). This sequence change creates a premature translational stop signal (p.Leu447Valfs*2) in the SPAST gene. It is expected to result in an absent or disrupted protein product. Loss-of-function variants in SPAST are known to be pathogenic (PMID: 20932283).

Literature cited by the submitters: PubMed 20932283.

NM_014946.4(SPAST):c.1339_1340del (p.Leu447fs)

Gene: SPAST (spastin; plus strand). Cytogenetic location: 2p22.3.
Variant type: Deletion.
Coding change: c.1339_1340del on transcript NM_014946.4 (MANE Select); coding-DNA positions 1339 to 1340, 2 bases deleted (TT; older notation c.1339_1340delTT).
Protein change: p.Leu447fs; shifts the reading frame from leucine 447.
Molecular consequence: frameshift variant.
Genome position (GRCh38, 1-based): chr2:32,136,894-32,136,895, TT deleted; deleting any 2 consecutive bases within chr2:32,136,892-32,136,895 gives the same sequence; the c. name uses the placement nearest the transcript's 3' end. VCF-style (leftmost placement, unchanged base first): chr2-32136891-CTT-C. GRCh37 (hg19) VCF-style: chr2-32361960-CTT-C.
Other names: c.1336_1337del, p.Leu446fs (NM_001363823.2); c.1240_1241del, p.Leu414fs (NM_001363875.2); c.1243_1244del, p.Leu415fs (NM_001377959.1, NM_199436.2); short protein forms L415fs, L447fs, L414fs, L446fs.
Identifiers: ClinVar variation 947455 (VCV000947455.7), dbSNP rs1679553611, ClinGen allele CA1139656824.